The following is an entry in ClinVar:

ClinVar aggregate classification (germline): Pathogenic (1 of 4 stars; one submission).

Submission:

GeneDx
Classification: Pathogenic. Last evaluated: 2018-11-20. Review status: criteria provided, single submitter. Criteria: GeneDx Variant Classification (06012015). Collection method: clinical testing. Allele origin: germline. Affected: yes.
Comment: The c.811_814delTCTG pathogenic variant in the MEF2C gene causes a frameshift starting with codon Serine 271, changes this amino acid to an Arginine residue and creates a premature Stop codon at position 7 of the new reading frame, denoted p.Ser271ArgfsX7. This pathogenic variant is predicted to cause loss of normal protein function either through protein truncation or nonsense-mediated mRNA decay. The c.811_814delTCTG variant is not observed in large population cohorts (Lek et al., 2016).

NM_002397.3(MEF2C):c.811_814delTCTG

Gene: MEF2C (myocyte enhancer factor 2C; minus strand). Cytogenetic location: 5q14.3.
Variant type: Deletion.
Coding change: c.811_814delTCTG on transcript NM_002397.3; coding-DNA positions 811 to 814, 4 bases deleted (TCTG).
Molecular consequence: splice acceptor variant (on NM_002397.5). On other transcripts: intron variant (16).
Genome position (GRCh38, 1-based): chr5:88,730,231-88,730,234, CAGA deleted on the plus strand (TCTG on the coding strand, the reverse complement: MEF2C is on the minus strand); deleting any 4 consecutive bases within chr5:88,730,231-88,730,235 gives the same sequence; the c. name uses the placement nearest the transcript's 3' end. VCF-style (leftmost placement, unchanged base first): chr5-88730230-TCAGA-T. GRCh37 (hg19) VCF-style: chr5-88026047-TCAGA-T.
Other names: c.811_814del (NM_002397.5); c.811-887_811-884del (NM_001364333.2, NM_001308002.3, NM_001364349.2 and 6 more transcripts); c.805-887_805-884del (NM_001131005.2, NM_001364352.2, NM_001364343.2); c.865-887_865-884del (NM_001193347.1, NM_001364338.2); c.667-887_667-884del (NM_001193348.1); c.385-887_385-884del (NM_001364357.2).
Identifiers: ClinVar variation 817330 (VCV000817330.1), dbSNP rs1760863025, ClinGen allele CA1139658958.